The following is an entry in ClinVar:

ClinVar aggregate classification (germline): Uncertain significance (1 of 4 stars; one submission).

Allele frequency attached by ClinVar (database versions not stated): TOPMed 0.00001.

Submission:

GeneDx
Classification: Uncertain significance. Last evaluated: 2021-04-29. Review status: criteria provided, single submitter. Criteria: GeneDx Variant Classification Process June 2021. Collection method: clinical testing. Allele origin: germline. Affected: yes.
Comment: Not observed in large population cohorts (Lek et al., 2016); In silico analysis, which includes protein predictors and evolutionary conservation, supports that this variant does not alter protein structure/function; Has not been previously published as pathogenic or benign to our knowledge

NM_031407.7(HUWE1):c.7627A>G (p.Ile2543Val)

Gene: HUWE1 (HECT, UBA and WWE domain containing E3 ubiquitin protein ligase 1; minus strand). Cytogenetic location: Xp11.22.
Variant type: single nucleotide variant.
Coding change: c.7627A>G on transcript NM_031407.7 (MANE Select); coding-DNA position 7627, A replaced by G.
Protein change: p.Ile2543Val; replaces isoleucine 2543 with valine.
Molecular consequence: missense variant.
Genome position (GRCh38, 1-based): chrX:53,560,297, T>C on the plus strand (A>G on the coding strand, the complement: HUWE1 is on the minus strand). VCF-style: chrX-53560297-T-C. GRCh37 (hg19) VCF-style: chrX-53587258-T-C.
Other names: short protein forms I2543V.
Identifiers: ClinVar variation 1207854 (VCV001207854.3), dbSNP rs2062224983, ClinGen allele CA413155204.